The following is an entry in ClinVar:

ClinVar aggregate classification (germline): Uncertain significance (1 of 4 stars; one submission).

Submission:

Ambry Genetics
Classification: Uncertain significance. Last evaluated: 2022-07-14. Review status: criteria provided, single submitter. Criteria: Ambry Variant Classification Scheme 2023. Collection method: clinical testing. Allele origin: germline.
Comment: The p.E247K variant (also known as c.739G>A), located in coding exon 8 of the PRKDC gene, results from a G to A substitution at nucleotide position 739. The glutamic acid at codon 247 is replaced by lysine, an amino acid with similar properties. This amino acid position is conserved. In addition, this alteration is predicted to be tolerated by in silico analysis. Since supporting evidence is limited at this time, the clinical significance of this alteration remains unclear.

NM_006904.7(PRKDC):c.739G>A (p.Glu247Lys)

Gene: PRKDC (protein kinase, DNA-activated, catalytic subunit; minus strand). Cytogenetic location: 8q11.21.
Variant type: single nucleotide variant.
Coding change: c.739G>A on transcript NM_006904.7 (MANE Select); coding-DNA position 739, G replaced by A.
Protein change: p.Glu247Lys; replaces glutamic acid 247 with lysine.
Molecular consequence: missense variant.
Genome position (GRCh38, 1-based): chr8:47,944,012, C>T on the plus strand (G>A on the coding strand, the complement: PRKDC is on the minus strand). VCF-style: chr8-47944012-C-T. GRCh37 (hg19) VCF-style: chr8-48856572-C-T.
Other names: c.739G>A, p.Glu247Lys (NM_001081640.2); short protein forms E247K.
Identifiers: ClinVar variation 1758703 (VCV001758703.2), dbSNP rs2551880821, ClinGen allele CA371136696.